The following is an entry in ClinVar:

ClinVar aggregate classification (germline): Uncertain significance (1 of 4 stars; one submission).

Submission:

Labcorp Genetics (formerly Invitae), Labcorp
Classification: Uncertain significance. Last evaluated: 2021-08-24. Review status: criteria provided, single submitter. Criteria: Invitae Variant Classification Sherloc (09022015). Collection method: clinical testing. Allele origin: germline.
Comment: This sequence change replaces lysine with glutamic acid at codon 799 of the KIF11 protein (p.Lys799Glu). The lysine residue is moderately conserved and there is a small physicochemical difference between lysine and glutamic acid. This variant is not present in population databases (ExAC no frequency). This variant has not been reported in the literature in individuals affected with KIF11-related conditions. Algorithms developed to predict the effect of missense changes on protein structure and function output the following: SIFT: "Tolerated"; PolyPhen-2: "Benign"; Align-GVGD: "Class C0". The glutamic acid amino acid residue is found in multiple mammalian species, which suggests that this missense change does not adversely affect protein function. In summary, the available evidence is currently insufficient to determine the role of this variant in disease. Therefore, it has been classified as a Variant of Uncertain Significance.

NM_004523.4(KIF11):c.2395A>G (p.Lys799Glu)

Gene: KIF11 (kinesin family member 11; plus strand). Cytogenetic location: 10q23.33.
Variant type: single nucleotide variant.
Coding change: c.2395A>G on transcript NM_004523.4 (MANE Select); coding-DNA position 2395, A replaced by G.
Protein change: p.Lys799Glu; replaces lysine 799 with glutamic acid.
Molecular consequence: missense variant.
Genome position (GRCh38, 1-based): chr10:92,645,490, A>G. VCF-style: chr10-92645490-A-G. GRCh37 (hg19) VCF-style: chr10-94405247-A-G.
Other names: short protein forms K799E.
Identifiers: ClinVar variation 1513211 (VCV001513211.6), dbSNP rs2135923418, ClinGen allele CA377594132.
Genomic context (GRCh38, chr10:92,645,490, plus strand): 5'-TTCTCACAGGAACTCAGAAATTTTAACCAAGAAGGTACAAAATTGGTTGAAGAATCTGTG[A>G]AACACTCTGATAAACTCAATGGCAACCTGGAAAAAATATCTCAAGAGACTGAACAGAGAT-3'
Protein context (NP_004514.2, residues 789-809): EGTKLVEESV[Lys799Glu]HSDKLNGNLE